The following is an entry in ClinVar:

ClinVar aggregate classification (germline): Likely benign. Review status: criteria provided, multiple submitters, no conflicts (2 of 4 stars). 3 submissions from 3 submitters: Likely benign (2). 1 of the submissions does not count toward it. Last evaluated 2025-09-22.

Conditions:
Inborn genetic diseases. Identifiers: MedGen C0950123, MeSH D030342.
Kabuki syndrome. Also called: NIIKAWA-KUROKI SYNDROME; Kabuki make-up syndrome. Identifiers: Orphanet 2322, MedGen C0796004, MONDO:0016512.
KMT2D-related disorder. Also called: KMT2D-Related Disorders.

Allele frequency attached by ClinVar (database versions not stated): gnomAD 0.00001; gnomAD exomes 0.00001; TOPMed 0.00001.
gnomAD v4.1: 12 of 1,550,230 alleles (0.00077%); highest among the groups gnomAD compares: Middle Eastern, 0.018%; no homozygotes.

Submissions (3):

Ambry Genetics
Classification: Likely benign for Inborn genetic diseases. Last evaluated: 2025-09-22. Review status: criteria provided, single submitter. Criteria: Ambry Variant Classification Scheme 2023. Collection method: clinical testing. Allele origin: germline.

Labcorp Genetics (formerly Invitae), Labcorp
Classification: Likely benign for Kabuki syndrome. Last evaluated: 2025-08-18. Review status: criteria provided, single submitter. Criteria: Invitae Variant Classification Sherloc (09022015). Collection method: clinical testing. Allele origin: germline.

PreventionGenetics, part of Exact Sciences
Classification: Uncertain significance for KMT2D-related condition. Last evaluated: 2024-03-05. Review status: no assertion criteria provided. Collection method: clinical testing. Allele origin: germline. Not counted in ClinVar's aggregate classification.
Comment: The KMT2D c.11754G>T variant is predicted to result in the amino acid substitution p.Gln3918His. To our knowledge, this variant has not been reported in the literature. This variant is reported in 0.0034% of alleles in individuals of European (Non-Finnish) descent in gnomAD. At this time, the clinical significance of this variant is uncertain due to the absence of conclusive functional and genetic evidence.

NM_003482.4(KMT2D):c.11754G>T (p.Gln3918His)

Gene: KMT2D (lysine methyltransferase 2D; minus strand). Cytogenetic location: 12q13.12.
Variant type: single nucleotide variant.
Coding change: c.11754G>T on transcript NM_003482.4 (MANE Select); coding-DNA position 11754, G replaced by T.
Protein change: p.Gln3918His; replaces glutamine 3918 with histidine.
Molecular consequence: missense variant.
Genome position (GRCh38, 1-based): chr12:49,032,951, C>A on the plus strand (G>T on the coding strand, the complement: KMT2D is on the minus strand). VCF-style: chr12-49032951-C-A. GRCh37 (hg19) VCF-style: chr12-49426734-C-A.
Other names: short protein forms Q3918H.
Identifiers: ClinVar variation 2031664 (VCV002031664.6), dbSNP rs1165294599, ClinGen allele CA384715791.
Genomic context (GRCh38, chr12:49,032,951, plus strand): 5'-CTGCTGCTGTTGCTGCTGTTGAAGCTGTTGCTGCTGAAGTTGCTGTTGCTGTTGTAGCTG[C>A]TGCTGCTGCTGCTGCTGAAGTTGCTGTTGCTGTTGCAGCTGCTGCTGCTGCTGAAGCTGC-3'
Protein context (NP_003473.3, residues 3908-3928): QQQQLQQQQQ[Gln3918His]QLQQQQQLQQ